The following is an entry in ClinVar:

ClinVar aggregate classification (germline): Uncertain significance (1 of 4 stars; one submission).

Submission:

Labcorp Genetics (formerly Invitae), Labcorp
Classification: Uncertain significance. Last evaluated: 2025-09-30. Review status: criteria provided, single submitter. Criteria: Invitae Variant Classification Sherloc (09022015). Collection method: clinical testing. Allele origin: germline.
Comment: This sequence change replaces aspartic acid, which is acidic and polar, with histidine, which is basic and polar, at codon 80 of the DSCAML1 protein (p.Asp80His). This variant is not present in population databases (gnomAD no frequency). This variant has not been reported in the literature in individuals affected with DSCAML1-related conditions. An algorithm developed to predict the effect of missense changes on protein structure and function (PolyPhen-2) suggests that this variant is likely to be disruptive. In summary, the available evidence is currently insufficient to determine the role of this variant in disease. Therefore, it has been classified as a Variant of Uncertain Significance.

NM_020693.4(DSCAML1):c.58G>C (p.Asp20His)

Gene: DSCAML1 (DS cell adhesion molecule like 1; minus strand). Cytogenetic location: 11q23.3.
Variant type: single nucleotide variant.
Coding change: c.58G>C on transcript NM_020693.4 (MANE Select); coding-DNA position 58, G replaced by C.
Protein change: p.Asp20His; replaces aspartic acid 20 with histidine.
Molecular consequence: missense variant. On other transcripts: 5 prime UTR variant (1).
Genome position (GRCh38, 1-based): chr11:117,780,799, C>G on the plus strand (G>C on the coding strand, the complement: DSCAML1 is on the minus strand). VCF-style: chr11-117780799-C-G. GRCh37 (hg19) VCF-style: chr11-117651514-C-G.
Other names: c.58G>C, p.Asp20His (NM_001367904.1); c.-351G>C (NM_001367905.1); short protein forms D20H.
Identifiers: ClinVar variation 4742924 (VCV004742924.1).
Genomic context (GRCh38, chr11:117,780,799, plus strand): 5'-AGCTGGAAAAGGTCACCTGCTGCAAGGAGTCATTTACAAAGTAGAGGCTGGTGCCAACAT[C>G]TTCAGGGCGGGCTGCAGGAGAGGCAAGGGGAGAGACTTGGTTAGCATGGGCTCTAACAAT-3'
Protein context (NP_065744.3, residues 10-30): LDSLHKARPE[Asp20His]VGTSLYFVND